The following is an entry in ClinVar:

NM_002474.3(MYH11):c.3795G>C (p.Gln1265His)

Gene: MYH11 (myosin heavy chain 11; minus strand). Cytogenetic location: 16p13.11.
Variant type: single nucleotide variant.
Coding change: c.3795G>C on transcript NM_002474.3 (MANE Select); coding-DNA position 3795, G replaced by C.
Protein change: p.Gln1265His; replaces glutamine 1265 with histidine.
Molecular consequence: missense variant.
Genome position (GRCh38, 1-based): chr16:15,726,911, C>G on the plus strand (G>C on the coding strand, the complement: MYH11 is on the minus strand). VCF-style: chr16-15726911-C-G. GRCh37 (hg19) VCF-style: chr16-15820768-C-G.
Other names: c.3816G>C, p.Gln1272His (NM_001040113.2, NM_001040114.2); c.3795G>C, p.Gln1265His (NM_022844.3); short protein forms Q1272H, Q1265H.
Identifiers: ClinVar variation 920010 (VCV000920010.4), dbSNP rs2040792879, ClinGen allele CA394860050.

ClinVar aggregate classification (germline): Uncertain significance (1 of 4 stars; one submission).

Conditions:
Familial thoracic aortic aneurysm and aortic dissection (TAAD). Also called: Thoracic aortic aneurysms and dissections. Identifiers: Orphanet 91387, MedGen C4707243, MONDO:0019625.

Submission:

Color Diagnostics, LLC DBA Color Health
Classification: Uncertain significance for Familial thoracic aortic aneurysm and aortic dissection. Last evaluated: 2024-03-06. Review status: criteria provided, single submitter. Criteria: ACMG Guidelines, 2015. Collection method: clinical testing. Allele origin: germline.
Comment: This missense variant replaces glutamine with histidine at codon 1272 of the MYH11 protein. Computational prediction suggests that this variant may not impact protein structure and function (internally defined REVEL score threshold <= 0.5, PMID: 27666373). Splice site prediction tools suggest that this variant may not impact RNA splicing. To our knowledge, functional studies have not been performed for this variant. This variant has not been reported in individuals affected with cardiovascular disorders in the literature. This variant has not been identified in the general population by the Genome Aggregation Database (gnomAD). The available evidence is insufficient to determine the role of this variant in disease conclusively. Therefore, this variant is classified as a Variant of Uncertain Significance.